The following is an entry in ClinVar:

ClinVar aggregate classification (germline): Uncertain significance (1 of 4 stars; one submission).

Conditions:
Epidermolysis bullosa simplex 5B, with muscular dystrophy (EBS5B). Also called: Epidermolysis bullosa simplex with muscular dystrophy; EPIDERMOLYSIS BULLOSA SIMPLEX AND LIMB-GIRDLE MUSCULAR DYSTROPHY. Identifiers: Orphanet 257, MedGen C2931072, MONDO:0009181, OMIM 226670.
Epidermolysis bullosa simplex 5C, with pyloric atresia (EBS5C). Also called: PLEC1-Related Epidermolysis Bullosa with Pyloric Atresia; PLEC-Related Epidermolysis Bullosa with Pyloric Atresia; Epidermolysis bullosa simplex with pyloric atresia. Identifiers: Orphanet 158684, MedGen C2677349, MONDO:0012807, OMIM 612138.
Autosomal recessive limb-girdle muscular dystrophy type 2Q (LGMDR17). Also called: MUSCULAR DYSTROPHY, LIMB-GIRDLE, AUTOSOMAL RECESSIVE 17. Identifiers: Orphanet 254361, MedGen C3150989, MONDO:0013390, OMIM 613723.
Epidermolysis bullosa simplex, Ogna type (EBS5A). Also called: Pidermolysis bullosa simplex 5A, Ogna type; EPIDERMOLYSIS BULLOSA SIMPLEX 5A, OGNA TYPE. Identifiers: Orphanet 79401, MedGen C0432317, MONDO:0007555, OMIM 131950.
Epidermolysis bullosa simplex with nail dystrophy (EBS5D). Identifiers: MedGen C4225309, MONDO:0014661, OMIM 616487.

gnomAD v4.1: 48 of 1,588,296 alleles (0.003%); highest among the groups gnomAD compares: Non-Finnish European, 0.0037%; no homozygotes.

Submission:

Labcorp Genetics (formerly Invitae), Labcorp
Classification: Uncertain significance for Autosomal recessive limb-girdle muscular dystrophy type 2Q; Epidermolysis bullosa simplex, Ogna type; Epidermolysis bullosa simplex with nail dystrophy; Epidermolysis bullosa simplex 5C, with pyloric atresia; Epidermolysis bullosa simplex 5B, with muscular dystrophy. Last evaluated: 2023-10-05. Review status: criteria provided, single submitter. Criteria: Invitae Variant Classification Sherloc (09022015). Collection method: clinical testing. Allele origin: germline.
Comment: This sequence change replaces alanine, which is neutral and non-polar, with serine, which is neutral and polar, at codon 1411 of the PLEC protein (p.Ala1411Ser). The frequency data for this variant in the population databases is considered unreliable, as metrics indicate poor data quality at this position in the gnomAD database. This variant has not been reported in the literature in individuals affected with PLEC-related conditions. ClinVar contains an entry for this variant (Variation ID: 1392456). Experimental studies and prediction algorithms are not available or were not evaluated, and the functional significance of this variant is currently unknown. In summary, the available evidence is currently insufficient to determine the role of this variant in disease. Therefore, it has been classified as a Variant of Uncertain Significance.

NM_201384.3(PLEC):c.4150G>T (p.Ala1384Ser)

Gene: PLEC (plectin; minus strand). Cytogenetic location: 8q24.3.
Variant type: single nucleotide variant.
Coding change: c.4150G>T on transcript NM_201384.3 (MANE Select); coding-DNA position 4150, G replaced by T.
Protein change: p.Ala1384Ser; replaces alanine 1384 with serine.
Molecular consequence: missense variant.
Genome position (GRCh38, 1-based): chr8:143,925,779, C>A on the plus strand (G>T on the coding strand, the complement: PLEC is on the minus strand). VCF-style: chr8-143925779-C-A. GRCh37 (hg19) VCF-style: chr8-144999947-C-A.
Other names: c.4231G>T, p.Ala1411Ser (NM_000445.5); c.4108G>T, p.Ala1370Ser (NM_201378.4); c.4084G>T, p.Ala1362Ser (NM_201379.3); c.4561G>T, p.Ala1521Ser (NM_201380.4); c.4054G>T, p.Ala1352Ser (NM_201381.3); c.4150G>T, p.Ala1384Ser (NM_201382.4); c.4162G>T, p.Ala1388Ser (NM_201383.3); short protein forms A1370S, A1384S, A1521S, A1388S, A1352S, A1411S, A1362S.
Identifiers: ClinVar variation 1392456 (VCV001392456.8), dbSNP rs782681160, ClinGen allele CA372560902.